The following is an entry in ClinVar:

NM_018979.4(WNK1):c.4366A>T (p.Thr1456Ser)

Gene: WNK1 (WNK lysine deficient protein kinase 1; plus strand). Cytogenetic location: 12p13.33.
Variant type: single nucleotide variant.
Coding change: c.4366A>T on transcript NM_018979.4 (MANE Select); coding-DNA position 4366, A replaced by T.
Protein change: p.Thr1456Ser; replaces threonine 1456 with serine.
Molecular consequence: missense variant.
Genome position (GRCh38, 1-based): chr12:885,170, A>T. VCF-style: chr12-885170-A-T. GRCh37 (hg19) VCF-style: chr12-994336-A-T.
Other names: c.5146A>T, p.Thr1716Ser (NM_001184985.2); c.3625A>T, p.Thr1209Ser (NM_014823.3); c.5122A>T, p.Thr1708Ser (NM_213655.5); short protein forms T1209S, T1456S, T1708S, T1716S.
Identifiers: ClinVar variation 3748314 (VCV003748314.2).

ClinVar aggregate classification (germline): Uncertain significance (1 of 4 stars; one submission).

Conditions:
Neuropathy, hereditary sensory and autonomic, type 2A (HSAN2A). Also called: ACROOSTEOLYSIS, GIACCAI TYPE; ACROOSTEOLYSIS, NEUROGENIC; MORVAN DISEASE; NEUROPATHY, CONGENITAL SENSORY; NEUROPATHY, HEREDITARY SENSORY RADICULAR, AUTOSOMAL RECESSIVE; NEUROPATHY, HEREDITARY SENSORY, TYPE IIA. Identifiers: Orphanet 970, MedGen C2752089, MONDO:0024309, OMIM 201300.
Pseudohypoaldosteronism type 2C (PHA2C). Also called: Pseudohypoaldosteronism Type IIC. Identifiers: Orphanet 757, Orphanet 88940, MedGen C1840391, MONDO:0013778, OMIM 614492.

Submission:

Labcorp Genetics (formerly Invitae), Labcorp
Classification: Uncertain significance for Neuropathy, hereditary sensory and autonomic, type 2A; Pseudohypoaldosteronism type 2C. Last evaluated: 2024-05-10. Review status: criteria provided, single submitter. Criteria: Invitae Variant Classification Sherloc (09022015). Collection method: clinical testing. Allele origin: germline.
Comment: This sequence change replaces threonine, which is neutral and polar, with serine, which is neutral and polar, at codon 1708 of the WNK1 protein (p.Thr1708Ser). This variant is not present in population databases (gnomAD no frequency). This variant has not been reported in the literature in individuals affected with WNK1-related conditions. Advanced modeling of protein sequence and biophysical properties (such as structural, functional, and spatial information, amino acid conservation, physicochemical variation, residue mobility, and thermodynamic stability) performed at Invitae indicates that this missense variant is not expected to disrupt WNK1 protein function with a negative predictive value of 95%. In summary, the available evidence is currently insufficient to determine the role of this variant in disease. Therefore, it has been classified as a Variant of Uncertain Significance.